The following is an entry in ClinVar:

ClinVar aggregate classification (germline): Benign. Review status: criteria provided, multiple submitters, no conflicts (2 of 4 stars). 3 submissions from 3 submitters: Benign (2). 1 of the submissions does not count toward it. Last evaluated 2018-06-19.

Conditions:
POLQ-related disorder. Also called: POLQ-related condition.

Allele frequency attached by ClinVar (database versions not stated): gnomAD exomes 0.00137 and 0.00343; ExAC 0.00424; 1000 Genomes Project 0.01358; gnomAD 0.01407 and 0.01520; 1000 Genomes Project 30x 0.01452; ESP Exome Variant Server 0.01533; TOPMed 0.01581.
gnomAD v4.1: 4,225 of 1,612,446 alleles (0.26%); highest among the groups gnomAD compares: African/African-American, 5%; 106 homozygotes.

Submissions (3):

Labcorp Genetics (formerly Invitae), Labcorp
Classification: Benign. Last evaluated: 2018-06-19. Review status: criteria provided, single submitter. Criteria: Invitae Variant Classification Sherloc (09022015). Collection method: clinical testing. Allele origin: germline.

Breakthrough Genomics
Classification: Benign. Review status: criteria provided, single submitter. Criteria: ACMG Guidelines, 2015. Collection method: not provided. Allele origin: germline. Inheritance: Unknown mechanism. Affected: yes.

PreventionGenetics, part of Exact Sciences
Classification: Benign for POLQ-related condition. Last evaluated: 2019-03-08. Review status: no assertion criteria provided. Collection method: clinical testing. Allele origin: germline. Not counted in ClinVar's aggregate classification.
Comment: This variant is classified as benign based on ACMG/AMP sequence variant interpretation guidelines (Richards et al. 2015 PMID: 25741868, with internal and published modifications).

NM_199420.4(POLQ):c.4635C>A (p.His1545Gln)

Gene: POLQ (DNA polymerase theta; minus strand). Cytogenetic location: 3q13.33.
Variant type: single nucleotide variant.
Coding change: c.4635C>A on transcript NM_199420.4 (MANE Select); coding-DNA position 4635, C replaced by A.
Protein change: p.His1545Gln; replaces histidine 1545 with glutamine.
Molecular consequence: missense variant.
Genome position (GRCh38, 1-based): chr3:121,488,296, G>T on the plus strand (C>A on the coding strand, the complement: POLQ is on the minus strand). VCF-style: chr3-121488296-G-T. GRCh37 (hg19) VCF-style: chr3-121207143-G-T.
Other names: short protein forms H1545Q.
Identifiers: ClinVar variation 778092 (VCV000778092.6), dbSNP rs3218652, ClinGen allele CA2562866.